The following is an entry in ClinVar:

NM_000368.5(TSC1):c.2027G>A (p.Trp676Ter)

Gene: TSC1 (TSC complex subunit 1; minus strand). Cytogenetic location: 9q34.13.
Variant type: single nucleotide variant.
Coding change: c.2027G>A on transcript NM_000368.5 (MANE Select); coding-DNA position 2027, G replaced by A.
Protein change: p.Trp676Ter; replaces tryptophan 676 with a stop codon.
Molecular consequence: nonsense.
Genome position (GRCh38, 1-based): chr9:132,904,425, C>T on the plus strand (G>A on the coding strand, the complement: TSC1 is on the minus strand). VCF-style: chr9-132904425-C-T. GRCh37 (hg19) VCF-style: chr9-135779812-C-T.
Other names: c.2024G>A, p.Trp675Ter (NM_001162426.2); c.1874G>A, p.Trp625Ter (NM_001162427.2); c.1664G>A, p.Trp555Ter (NM_001362177.2); short protein forms W676*, W555*, W625*, W675*.
Identifiers: ClinVar variation 466057 (VCV000466057.14), dbSNP rs1554815454, ClinGen allele CA375361284.

ClinVar aggregate classification (germline): Pathogenic. Review status: criteria provided, multiple submitters, no conflicts (2 of 4 stars). 4 submissions from 4 submitters: Pathogenic (4). Last evaluated 2025-02-19.

Conditions:
Tuberous sclerosis 1 (TSC1). Identifiers: Orphanet 805, MedGen C1854465, MONDO:0008612, OMIM 191100.

Submissions (4):

Labcorp Genetics (formerly Invitae), Labcorp
Classification: Pathogenic for Tuberous sclerosis 1. Last evaluated: 2025-02-19. Review status: criteria provided, single submitter. Criteria: Invitae Variant Classification Sherloc (09022015). Collection method: clinical testing. Allele origin: germline.
Comment: This sequence change creates a premature translational stop signal (p.Trp676*) in the TSC1 gene. It is expected to result in an absent or disrupted protein product. Loss-of-function variants in TSC1 are known to be pathogenic (PMID: 10227394, 17304050). This variant is not present in population databases (gnomAD no frequency). This premature translational stop signal has been observed in individual(s) with tuberous sclerosis complex (PMID: 10570911). ClinVar contains an entry for this variant (Variation ID: 466057). For these reasons, this variant has been classified as Pathogenic.

GeneDx
Classification: Pathogenic. Last evaluated: 2024-11-26. Review status: criteria provided, single submitter. Criteria: GeneDx Variant Classification Process June 2021. Collection method: clinical testing. Allele origin: germline. Affected: yes.
Comment: Not observed at significant frequency in large population cohorts (gnomAD); Nonsense variant predicted to result in protein truncation or nonsense mediated decay in a gene for which loss of function is a known mechanism of disease; This variant is associated with the following publications: (PMID: 17304050, 10227394, 19254590, 10570911)

Genome-Nilou Lab
Classification: Pathogenic for Tuberous sclerosis 1. Last evaluated: 2021-11-07. Review status: criteria provided, single submitter. Criteria: ACMG Guidelines, 2015. Collection method: clinical testing. Allele origin: germline. Affected: no.

Mendelics
Classification: Pathogenic for Tuberous sclerosis 1. Last evaluated: 2019-05-28. Review status: criteria provided, single submitter. Criteria: Mendelics Assertion Criteria 2017. Collection method: clinical testing. Allele origin: unknown.

Literature cited by the submitters: PubMed 10227394 (cited by Labcorp Genetics (formerly Invitae), Labcorp); PubMed 17304050 (cited by Labcorp Genetics (formerly Invitae), Labcorp); PubMed 10570911 (cited by Labcorp Genetics (formerly Invitae), Labcorp).